The following is an entry in ClinVar:

NM_000199.5(SGSH):c.52T>G (p.Cys18Gly)

Gene: SGSH (N-sulfoglucosamine sulfohydrolase; minus strand). Cytogenetic location: 17q25.3.
Variant type: single nucleotide variant.
Coding change: c.52T>G on transcript NM_000199.5 (MANE Select); coding-DNA position 52, T replaced by G.
Protein change: p.Cys18Gly; replaces cysteine 18 with glycine.
Molecular consequence: missense variant. On other transcripts: non-coding transcript variant (1).
Genome position (GRCh38, 1-based): chr17:80,220,262, A>C on the plus strand (T>G on the coding strand, the complement: SGSH is on the minus strand). VCF-style: chr17-80220262-A-C. GRCh37 (hg19) VCF-style: chr17-78194061-A-C.
Other names: c.52T>G, p.Cys18Gly (NM_001352921.3, NM_001352922.2); short protein forms C18G.
Identifiers: ClinVar variation 1407665 (VCV001407665.8), dbSNP rs1171316652, ClinGen allele CA401365539.

ClinVar aggregate classification (germline): Uncertain significance (1 of 4 stars; one submission).

Conditions:
Mucopolysaccharidosis, MPS-III-A (MPS3A). Also called: Mucopolysaccharidosis, type IIIA; mucopolysaccharidosis type 3A; MPS IIIA (Sanfilippo Syndrome Type A); HEPARAN SULFATE SULFATASE DEFICIENCY; Mucopolysaccharidosis type IIIA (Sanfilippo A); SANFILIPPO SYNDROME A. Identifiers: Orphanet 581, Orphanet 79269, MedGen C0086647, MONDO:0009655, OMIM 252900.

Submission:

Labcorp Genetics (formerly Invitae), Labcorp
Classification: Uncertain significance for Mucopolysaccharidosis, MPS-III-A. Last evaluated: 2021-07-27. Review status: criteria provided, single submitter. Criteria: Invitae Variant Classification Sherloc (09022015). Collection method: clinical testing. Allele origin: germline.
Comment: In summary, the available evidence is currently insufficient to determine the role of this variant in disease. Therefore, it has been classified as a Variant of Uncertain Significance. Algorithms developed to predict the effect of missense changes on protein structure and function are either unavailable or do not agree on the potential impact of this missense change (SIFT: "Deleterious"; PolyPhen-2: "Not Available"; Align-GVGD: "Class C0"). This variant has not been reported in the literature in individuals affected with SGSH-related conditions. The frequency data for this variant in the population databases is considered unreliable, as metrics indicate insufficient coverage at this position in the ExAC database. This sequence change replaces cysteine with glycine at codon 18 of the SGSH protein (p.Cys18Gly). The cysteine residue is moderately conserved and there is a large physicochemical difference between cysteine and glycine.